The following is an entry in ClinVar:

ClinVar aggregate classification (germline): Benign. Review status: criteria provided, multiple submitters, no conflicts (2 of 4 stars). 10 submissions from 10 submitters: Benign (7). 3 of the submissions do not count toward it. Last evaluated 2026-02-03.

Conditions:
Dilated cardiomyopathy 1JJ (CMD1JJ). Identifiers: Orphanet 154, MedGen C3808935, MONDO:0014095, OMIM 615235.
Cardiomyopathy (CMYO). Also called: Cardiomyopathies. Identifiers: Orphanet 167848, MedGen C0878544, MONDO:0004994, HP:0001638. Inheritance: Various modes of inheritance.

Allele frequency attached by ClinVar (database versions not stated): gnomAD exomes 0.00492 and 0.00200; ESP Exome Variant Server 0.02122; 1000 Genomes Project 30x 0.02186; ExAC 0.00593; gnomAD 0.01751 and 0.01889; 1000 Genomes Project 0.02017; TOPMed 0.02010.
gnomAD v4.1: 5,685 of 1,612,932 alleles (0.35%); highest among the groups gnomAD compares: African/African-American, 6%; 138 homozygotes.

Submissions (10):

Labcorp Genetics (formerly Invitae), Labcorp
Classification: Benign for Dilated cardiomyopathy 1JJ. Last evaluated: 2026-02-03. Review status: criteria provided, single submitter. Criteria: Invitae Variant Classification Sherloc (09022015). Collection method: clinical testing. Allele origin: germline.

ARUP Laboratories, Molecular Genetics and Genomics, ARUP Laboratories
Classification: Benign for Dilated cardiomyopathy 1JJ. Last evaluated: 2023-11-29. Review status: criteria provided, single submitter. Criteria: ARUP Molecular Germline Variant Investigation Process 2024. Collection method: clinical testing. Allele origin: germline.

Women's Health and Genetics/Laboratory Corporation of America, LabCorp
Classification: Benign. Last evaluated: 2023-07-29. Review status: criteria provided, single submitter. Criteria: LabCorp Variant Classification Summary - May 2015. Collection method: clinical testing. Allele origin: germline.

CHEO Genetics Diagnostic Laboratory, Children's Hospital of Eastern Ontario
Classification: Benign for Cardiomyopathy. Last evaluated: 2015-12-10. Review status: criteria provided, single submitter. Criteria: ACMG Guidelines, 2015. Collection method: clinical testing. Allele origin: germline. Study: Canadian Open Genetics Repository.

Genome Diagnostics Laboratory, University Medical Center Utrecht
Classification: Benign for Dilated cardiomyopathy 1JJ. Last evaluated: 2014-10-10. Review status: criteria provided, single submitter. Criteria: ACGS Guidelines, 2013. Collection method: clinical testing. Allele origin: germline. Affected: yes. Study: VKGL Data-share Consensus.

GeneDx
Classification: Benign. Last evaluated: 2014-03-13. Review status: criteria provided, single submitter. Criteria: GeneDx Variant Classification (06012015). Collection method: clinical testing. Allele origin: germline. Affected: yes.
Comment: This variant is considered likely benign or benign based on one or more of the following criteria: it is a conservative change, it occurs at a poorly conserved position in the protein, it is predicted to be benign by multiple in silico algorithms, and/or has population frequency not consistent with disease.

Laboratory for Molecular Medicine, Mass General Brigham Personalized Medicine
Classification: Benign. Last evaluated: 2012-04-24. Review status: criteria provided, single submitter. Criteria: LMM Criteria. Collection method: clinical testing. Allele origin: germline. Observed: 40 variant alleles.
Comment: Tyr1384Tyr in Exon 31 of LAMA4: This variant is not expected to have clinical si gnificance because it does not alter an amino acid residue and is not located wi thin the splice consensus sequence. It has been identified in 6% (224/3738) of A frican American chromosomes from a broad population by the NHLBI Exome Sequencin g Project (rs35042032).

Clinical Genetics, Academic Medical Center
Classification: Benign. Review status: no assertion criteria provided. Collection method: clinical testing. Allele origin: germline. Affected: yes. Study: VKGL Data-share Consensus. Not counted in ClinVar's aggregate classification.

Diagnostic Laboratory, Department of Genetics, University Medical Center Groningen
Classification: Likely benign for Dilated cardiomyopathy 1JJ. Review status: no assertion criteria provided. Collection method: clinical testing. Allele origin: germline. Affected: yes. Study: VKGL Data-share Consensus. Not counted in ClinVar's aggregate classification.

Joint Genome Diagnostic Labs from Nijmegen and Maastricht, Radboudumc and MUMC+
Classification: Benign. Review status: no assertion criteria provided. Collection method: clinical testing. Allele origin: germline. Affected: yes. Study: VKGL Data-share Consensus. Not counted in ClinVar's aggregate classification.

NM_001105206.3(LAMA4):c.4173T>C (p.Tyr1391=)

Gene: LAMA4 (laminin subunit alpha 4; minus strand). Cytogenetic location: 6q21.
Variant type: single nucleotide variant.
Coding change: c.4173T>C on transcript NM_001105206.3 (MANE Select); coding-DNA position 4173, T replaced by C.
Protein change: p.Tyr1391=; no amino-acid change (tyrosine 1391 retained).
Molecular consequence: synonymous variant.
Genome position (GRCh38, 1-based): chr6:112,129,036, A>G on the plus strand (T>C on the coding strand, the complement: LAMA4 is on the minus strand). VCF-style: chr6-112129036-A-G. GRCh37 (hg19) VCF-style: chr6-112450238-A-G.
Other names: p.Y1384Y:TAT>TAC; c.4152T>C, p.Tyr1384= (NM_001105207.3, NM_002290.5).
Identifiers: ClinVar variation 44383 (VCV000044383.32), dbSNP rs35042032, ClinGen allele CA282381.
Genomic context (GRCh38, chr6:112,129,036, plus strand): 5'-GAGAAACAATGGTGAAGACTCAATGGGACACTCATAAAGAGAAGTGTGGACCTTTTCAGT[A>G]TACCGTTGGAAATCTTCAACCTCCACATCTCTATCCACCCTGTGTTTGTAACAGAGGAAA-3'
Protein context (NP_001098676.2, residues 1381-1401): RDVEVEDFQR[Tyr1391=]TEKVHTSLYE